The following is an entry in ClinVar:

ClinVar aggregate classification (germline): Uncertain significance (1 of 4 stars; one submission).

Conditions:
Nephronophthisis. Also called: Juvenile Nephronophthisis. Identifiers: Orphanet 655, MedGen C0687120, MONDO:0019005, HP:0000090.

Allele frequency attached by ClinVar (database versions not stated): ExAC 0.00001; TOPMed 0.00001; gnomAD exomes 0.00001.
gnomAD v4.1: 9 of 1,612,974 alleles (0.00056%); highest among the groups gnomAD compares: Non-Finnish European, 0.00068%; no homozygotes.

Submission:

Labcorp Genetics (formerly Invitae), Labcorp
Classification: Uncertain significance for Nephronophthisis. Last evaluated: 2024-10-14. Review status: criteria provided, single submitter. Criteria: Invitae Variant Classification Sherloc (09022015). Collection method: clinical testing. Allele origin: germline.
Comment: This sequence change replaces leucine, which is neutral and non-polar, with phenylalanine, which is neutral and non-polar, at codon 443 of the NPHP4 protein (p.Leu443Phe). This variant is present in population databases (rs756153293, gnomAD 0.004%). This variant has not been reported in the literature in individuals affected with NPHP4-related conditions. ClinVar contains an entry for this variant (Variation ID: 1510114). Invitae Evidence Modeling of protein sequence and biophysical properties (such as structural, functional, and spatial information, amino acid conservation, physicochemical variation, residue mobility, and thermodynamic stability) has been performed for this missense variant. However, the output from this modeling did not meet the statistical confidence thresholds required to predict the impact of this variant on NPHP4 protein function. In summary, the available evidence is currently insufficient to determine the role of this variant in disease. Therefore, it has been classified as a Variant of Uncertain Significance.

NM_015102.5(NPHP4):c.1327C>T (p.Leu443Phe)

Gene: NPHP4 (nephrocystin 4; minus strand). Cytogenetic location: 1p36.31.
Variant type: single nucleotide variant.
Coding change: c.1327C>T on transcript NM_015102.5 (MANE Select); coding-DNA position 1327, C replaced by T.
Protein change: p.Leu443Phe; replaces leucine 443 with phenylalanine.
Molecular consequence: missense variant. On other transcripts: 5 prime UTR variant (2), non-coding transcript variant (1).
Genome position (GRCh38, 1-based): chr1:5,927,763, G>A on the plus strand (C>T on the coding strand, the complement: NPHP4 is on the minus strand). VCF-style: chr1-5927763-G-A. GRCh37 (hg19) VCF-style: chr1-5987823-G-A.
Other names: c.-40C>T (NM_001291593.2, NM_001291594.2); short protein forms L443F.
Identifiers: ClinVar variation 1510114 (VCV001510114.7), dbSNP rs756153293, ClinGen allele CA554549.
Genomic context (GRCh38, chr1:5,927,763, plus strand): 5'-TGACAGGCTCCGTGGGTGCATCCAGGTGTTCTTCTGAGCCCAGCGAGAACTGGAACCGGA[G>A]TGTACCCGACTCCACCTGCTTCACCTGCAATGGACCAGAAGAGCAGTGATGGCCACTCCC-3'
Protein context (NP_055917.1, residues 433-453): EEVKQVESGT[Leu443Phe]RFQFSLGSEE